The following is an entry in ClinVar:

NM_001613.4(ACTA2):c.420G>T (p.Ala140=)

Gene: ACTA2 (actin alpha 2, smooth muscle; minus strand). Cytogenetic location: 10q23.31.
Variant type: single nucleotide variant.
Coding change: c.420G>T on transcript NM_001613.4 (MANE Select); coding-DNA position 420, G replaced by T.
Protein change: p.Ala140=; no amino-acid change (alanine 140 retained).
Molecular consequence: synonymous variant.
Genome position (GRCh38, 1-based): chr10:88,941,819, C>A on the plus strand (G>T on the coding strand, the complement: ACTA2 is on the minus strand). VCF-style: chr10-88941819-C-A. GRCh37 (hg19) VCF-style: chr10-90701576-C-A.
Other names: p.Ala140=; c.420G>T, p.Ala140= (NM_001141945.3, NM_001320855.2, NM_001406462.1 and 3 more transcripts); c.309G>T, p.Ala103= (NM_001406466.1); c.291G>T, p.Ala97= (NM_001406467.1, NM_001406468.1, NM_001406469.1).
Identifiers: ClinVar variation 4683525 (VCV004683525.1).
Genomic context (GRCh38, chr10:88,941,819, plus strand): 5'-GCTTGCTGTCCCGCCCAGCCACCTACCAGTTGTGCGTCCAGAGGCATAGAGAGACAGCAC[C>A]GCCTGGATAGCCACATACATGGCTGGGACATTGAAAGTCTCAAACATAATCTGCAAAGCA-3'
Protein context (NP_001604.1, residues 130-150): NVPAMYVAIQ[Ala140=]VLSLYASGRT

ClinVar aggregate classification (germline): Likely benign (1 of 4 stars; one submission).

Submission:

Mayo Clinic Laboratories, Mayo Clinic
Classification: Likely benign. Last evaluated: 2025-03-19. Review status: criteria provided, single submitter. Criteria: ACMG Guidelines, 2015. Collection method: clinical testing. Allele origin: germline. Observed: 1 variant allele.
Comment: BP4, BP7, PM2_supporting